The following is an entry in ClinVar:

NM_000179.3(MSH6):c.3647-4A>C

Gene: MSH6 (mutS homolog 6; plus strand). Cytogenetic location: 2p16.3.
Variant type: single nucleotide variant.
Coding change: c.3647-4A>C on transcript NM_000179.3 (MANE Select); 4 bases into the intron before coding-DNA position 3647, A replaced by C.
Molecular consequence: intron variant.
Genome position (GRCh38, 1-based): chr2:47,806,200, A>C. VCF-style: chr2-47806200-A-C. GRCh37 (hg19) VCF-style: chr2-48033339-A-C.
Other names: c.2741-4A>C (NM_001281493.2, NM_001281494.2); c.3257-4A>C (NM_001281492.2).
Identifiers: ClinVar variation 455275 (VCV000455275.16), dbSNP rs1464965737, ClinGen allele CA532705780.
Genomic context (GRCh38, chr2:47,806,200, plus strand): 5'-TTTTAATTCCTTTTTTGTTTTAATTCCTTTGAGTTACTTCCTTATGCATATTTTACTTTA[A>C]CAGGAAGAGGTACTGCAACATTTGATGGGACGGCAATAGCAAATGCAGTTGTTAAAGAAC-3'

ClinVar aggregate classification (germline): Conflicting classifications of pathogenicity. Review status: criteria provided, conflicting classifications (1 of 4 stars). 4 submissions from 4 submitters: Uncertain significance (1); Likely benign (3). Last evaluated 2025-09-16.

Conditions:
Hereditary nonpolyposis colorectal neoplasms. Identifiers: MedGen C0009405, MeSH D003123.
Hereditary cancer-predisposing syndrome. Also called: Hereditary Cancer Syndrome; Hereditary neoplastic syndrome; Neoplastic Syndromes, Hereditary; Tumor predisposition. Identifiers: Orphanet 140162, MedGen C0027672, MeSH D009386, MONDO:0015356.
Lynch syndrome. Identifiers: Orphanet 144, MedGen C4552100, MONDO:0005835. Disease mechanism: loss of function.
Lynch syndrome 5 (LYNCH5). Also called: Hereditary non-polyposis colorectal cancer, type 5; Colorectal cancer, hereditary nonpolyposis, type 5. Identifiers: Orphanet 144, MedGen C1833477, MONDO:0013710, OMIM 614350. Disease mechanism: loss of function.

Allele frequency attached by ClinVar (database versions not stated): gnomAD exomes 0.00001 and 0.00005; gnomAD 0.00008 and 0.00009; TOPMed 0.00024.
gnomAD v4.1: 24 of 1,613,654 alleles (0.0015%); highest among the groups gnomAD compares: Admixed American, 0.04%; no homozygotes.

Submissions (4):

Labcorp Genetics (formerly Invitae), Labcorp
Classification: Likely benign for Hereditary nonpolyposis colorectal neoplasms. Last evaluated: 2025-09-16. Review status: criteria provided, single submitter. Criteria: Invitae Variant Classification Sherloc (09022015). Collection method: clinical testing. Allele origin: germline.

Myriad Genetics, Inc.
Classification: Likely benign for Lynch syndrome 5. Last evaluated: 2025-01-07. Review status: criteria provided, single submitter. Criteria: Myriad Autosomal Dominant, Autosomal Recessive and X-Linked Classification Criteria (2023). Collection method: clinical testing. Allele origin: unknown.
Comment: This variant is considered likely benign. This variant is intronic and is not expected to impact mRNA splicing.

Ambry Genetics
Classification: Uncertain significance for Hereditary cancer-predisposing syndrome. Last evaluated: 2024-09-09. Review status: criteria provided, single submitter. Criteria: Ambry Variant Classification Scheme 2023. Collection method: clinical testing. Allele origin: germline.
Comment: The c.3647-4A>C intronic variant results from an A to C substitution 4 nucleotides upstream from coding exon 8 in the MSH6 gene. This nucleotide position is not well conserved in available vertebrate species. In silico splice site analysis for this alteration is inconclusive. Since supporting evidence is limited at this time, the clinical significance of this alteration remains unclear.

All of Us Research Program, National Institutes of Health
Classification: Likely benign for Lynch syndrome. Last evaluated: 2023-03-09. Review status: criteria provided, single submitter. Criteria: ACMG Guidelines, 2015. Collection method: clinical testing. Allele origin: germline. Inheritance: Autosomal dominant inheritance. Observed: 1 variant allele, 1 heterozygote.
Comment: This study involves interpretation of variants in research participants for the purpose of population health screening. Participant phenotype was not available at the time of variant classification. Additional details can be found in publication PMID: 35346344, PMCID: PMC8962531